The following is an entry in ClinVar:

ClinVar aggregate classification (germline): Uncertain significance (1 of 4 stars; one submission).

Conditions:
Familial intrahepatic cholestasis. Identifiers: Orphanet 284385, MedGen CN296401, MONDO:0017290.

Submission:

Genomenon, Inc
Classification: Uncertain significance for Familial intrahepatic cholestasis. Last evaluated: 2026-04-14. Review status: criteria provided, single submitter. Criteria: Genomenon Sequence Variant Interpretation Standards - Updated. Collection method: curation. Allele origin: germline. Affected: yes.
Comment: ABCB4 p.Ala358Pro (c.1072G>C) is a missense variant that changes the amino acid at residue 358 from Alanine to Proline. This variant has been observed in at least one proband with an ABCB4-related disorder (PMID:37701337). It is absent or not present at a significant frequency in gnomAD. In conclusion, we classify ABCB4 p.Ala358Pro (c.1072G>C) as a variant of uncertain significance.

Literature cited by the submitters: PubMed 37701337.

NM_000443.4(ABCB4):c.1072G>C (p.Ala358Pro)

Gene: ABCB4 (ATP binding cassette subfamily B member 4; minus strand). Cytogenetic location: 7q21.12.
Variant type: single nucleotide variant.
Coding change: c.1072G>C on transcript NM_000443.4 (MANE Select); coding-DNA position 1072, G replaced by C.
Protein change: p.Ala358Pro; replaces alanine 358 with proline.
Molecular consequence: missense variant.
Genome position (GRCh38, 1-based): chr7:87,444,909, C>G on the plus strand (G>C on the coding strand, the complement: ABCB4 is on the minus strand). VCF-style: chr7-87444909-C-G. GRCh37 (hg19) VCF-style: chr7-87074225-C-G.
Other names: c.1072G>C, p.Ala358Pro (NM_018849.3, NM_018850.3); short protein forms A358P.
Identifiers: ClinVar variation 4846396 (VCV004846396.1).